The following is an entry in ClinVar:

NM_018051.5(DYNC2I1):c.1609G>A (p.Glu537Lys)

Gene: DYNC2I1 (dynein 2 intermediate chain 1; plus strand). Cytogenetic location: 7q36.3.
Variant type: single nucleotide variant.
Coding change: c.1609G>A on transcript NM_018051.5 (MANE Select); coding-DNA position 1609, G replaced by A.
Protein change: p.Glu537Lys; replaces glutamic acid 537 with lysine.
Molecular consequence: missense variant.
Genome position (GRCh38, 1-based): chr7:158,913,003, G>A. VCF-style: chr7-158913003-G-A. GRCh37 (hg19) VCF-style: chr7-158705694-G-A.
Other names: c.1471G>A, p.Glu491Lys (NM_001350914.2); c.1036G>A, p.Glu346Lys (NM_001350915.2); c.148G>A, p.Glu50Lys (NM_001350916.2); c.361G>A, p.Glu121Lys (NM_001350917.2, NM_001350918.2); c.1609G>A (NM_018051.4); short protein forms E121K, E346K, E491K, E50K, E537K.
Identifiers: ClinVar variation 1680683 (VCV001680683.5), dbSNP rs537240153, ClinGen allele CA4594698.

ClinVar aggregate classification (germline): Uncertain significance. Review status: criteria provided, multiple submitters, no conflicts (2 of 4 stars). 2 submissions from 2 submitters: Uncertain significance (2). Last evaluated 2025-08-11.

Conditions:
Short-rib thoracic dysplasia 8 with or without polydactyly (SRTD8). Also called: SHORT-RIB THORACIC DYSPLASIA 8 WITH POLYDACTYLY. Identifiers: Orphanet 93271, MedGen C3809691, MONDO:0014214, OMIM 615503.
Inborn genetic diseases. Identifiers: MedGen C0950123, MeSH D030342.

Allele frequency attached by ClinVar (database versions not stated): ExAC 0.00002; gnomAD exomes 0.00002 and 0.00005; gnomAD 0.00004; TOPMed 0.00005.
gnomAD v4.1: 74 of 1,612,076 alleles (0.0046%); highest among the groups gnomAD compares: Non-Finnish European, 0.0061%; no homozygotes.

Submissions (2):

Ambry Genetics
Classification: Uncertain significance for Inborn genetic diseases. Last evaluated: 2025-08-11. Review status: criteria provided, single submitter. Criteria: Ambry Variant Classification Scheme 2023. Collection method: clinical testing. Allele origin: germline.

Labcorp Genetics (formerly Invitae), Labcorp
Classification: Uncertain significance for Short-rib thoracic dysplasia 8 with or without polydactyly. Last evaluated: 2021-08-24. Review status: criteria provided, single submitter. Criteria: Invitae Variant Classification Sherloc (09022015). Collection method: clinical testing. Allele origin: germline.
Comment: This sequence change replaces glutamic acid with lysine at codon 537 of the WDR60 protein (p.Glu537Lys). The glutamic acid residue is highly conserved and there is a small physicochemical difference between glutamic acid and lysine. This variant is present in population databases (rs537240153, ExAC 0.007%). This variant has not been reported in the literature in individuals affected with WDR60-related conditions. Algorithms developed to predict the effect of missense changes on protein structure and function are either unavailable or do not agree on the potential impact of this missense change (SIFT: "Tolerated"; PolyPhen-2: "Possibly Damaging"; Align-GVGD: "Class C0"). In summary, the available evidence is currently insufficient to determine the role of this variant in disease. Therefore, it has been classified as a Variant of Uncertain Significance.